The following is an entry in ClinVar:

ClinVar aggregate classification (germline): Likely benign (1 of 4 stars; one submission).

Conditions:
Lethal polymalformative syndrome, Boissel type. Also called: GROWTH RETARDATION, DEVELOPMENTAL DELAY, AND FACIAL DYSMORPHISM. Identifiers: Orphanet 210144, MedGen C2752001, MONDO:0013050, OMIM 612938.

Allele frequency attached by ClinVar (database versions not stated): TOPMed 0.00008; gnomAD 0.00009 and 0.00027; ESP Exome Variant Server 0.00015; gnomAD exomes 0.00038 and 0.00058; ExAC 0.00071; 1000 Genomes Project 30x 0.00203; 1000 Genomes Project 0.00220.
gnomAD v4.1: 607 of 1,611,362 alleles (0.038%); highest among the groups gnomAD compares: South Asian, 0.37%; 4 homozygotes.

Submission:

Illumina Laboratory Services, Illumina
Classification: Likely benign for Lethal polymalformative syndrome, Boissel type. Last evaluated: 2018-01-13. Review status: criteria provided, single submitter. Criteria: ICSL Variant Classification Criteria 13 December 2019. Collection method: clinical testing. Allele origin: germline.
Comment: This variant was observed in the ICSL laboratory as part of a predisposition screen in an ostensibly healthy population. It had not been previously curated by ICSL or reported in the Human Gene Mutation Database (HGMD: prior to June 1st, 2018), and was therefore a candidate for classification through an automated scoring system. Utilizing variant allele frequency, disease prevalence and penetrance estimates, and inheritance mode, an automated score was calculated to assess if this variant is too frequent to cause the disease. Based on the score and internal cut-off values, a variant classified as likely benign is not then subjected to further curation. The score for this variant resulted in a classification of likely benign for this disease.

NM_001080432.3(FTO):c.*39G>A

Gene: FTO (FTO alpha-ketoglutarate dependent dioxygenase; plus strand). Cytogenetic location: 16q12.2.
Variant type: single nucleotide variant.
Coding change: c.*39G>A on transcript NM_001080432.3 (MANE Select); 39 bases downstream of the stop codon, G replaced by A.
Molecular consequence: 3 prime UTR variant.
Genome position (GRCh38, 1-based): chr16:54,111,954, G>A. VCF-style: chr16-54111954-G-A. GRCh37 (hg19) VCF-style: chr16-54145866-G-A.
Other names: c.*39G>A (NM_001363891.2, NM_001363894.2, NM_001363896.2 and 6 more transcripts); c.*157G>A (NM_001363903.2); c.*215G>A (NM_001363988.2).
Identifiers: ClinVar variation 319691 (VCV000319691.5), dbSNP rs375406387, ClinGen allele CA8058659.